The following is an entry in ClinVar:

ClinVar aggregate classification (germline): Uncertain significance. Review status: criteria provided, multiple submitters, no conflicts (2 of 4 stars). 3 submissions from 3 submitters: Uncertain significance (3). Last evaluated 2024-12-14.

Conditions:
Cardiomyopathy (CMYO). Also called: Cardiomyopathies. Identifiers: Orphanet 167848, MedGen C0878544, MONDO:0004994, HP:0001638. Inheritance: Various modes of inheritance.
Hypertrophic cardiomyopathy. Also called: HYPERTROPHIC MYOCARDIOPATHY. Identifiers: Orphanet 217569, MedGen C0007194, MeSH D002312, MONDO:0005045, HP:0001639.

gnomAD v4.1: 1 of 1,614,198 alleles (0.000062%); highest among the groups gnomAD compares: Non-Finnish European, 0.000085%; no homozygotes.

Submissions (3):

GeneDx
Classification: Uncertain significance. Last evaluated: 2024-12-14. Review status: criteria provided, single submitter. Criteria: GeneDx Variant Classification Process June 2021. Collection method: clinical testing. Allele origin: germline. Affected: yes.
Comment: Not observed at significant frequency in large population cohorts (gnomAD); In silico analysis supports that this missense variant has a deleterious effect on protein structure/function; This variant is associated with the following publications: (PMID: 30165862, 31006259)

Labcorp Genetics (formerly Invitae), Labcorp
Classification: Uncertain significance for Hypertrophic cardiomyopathy. Last evaluated: 2024-03-03. Review status: criteria provided, single submitter. Criteria: Invitae Variant Classification Sherloc (09022015). Collection method: clinical testing. Allele origin: germline.
Comment: This sequence change replaces glutamic acid, which is acidic and polar, with lysine, which is basic and polar, at codon 958 of the MYH7 protein (p.Glu958Lys). This variant is not present in population databases (gnomAD no frequency). This missense change has been observed in individual(s) with hypertrophic cardiomyopathy (PMID: 30165862). ClinVar contains an entry for this variant (Variation ID: 1329407). Advanced modeling of protein sequence and biophysical properties (such as structural, functional, and spatial information, amino acid conservation, physicochemical variation, residue mobility, and thermodynamic stability) performed at Invitae indicates that this missense variant is expected to disrupt MYH7 protein function with a positive predictive value of 95%. In summary, the available evidence is currently insufficient to determine the role of this variant in disease. Therefore, it has been classified as a Variant of Uncertain Significance.

CHEO Genetics Diagnostic Laboratory, Children's Hospital of Eastern Ontario
Classification: Uncertain significance for Cardiomyopathy. Last evaluated: 2020-12-23. Review status: criteria provided, single submitter. Criteria: ACMG Guidelines, 2015. Collection method: clinical testing. Allele origin: germline.

Literature cited by the submitters: PubMed 30165862 (cited by Labcorp Genetics (formerly Invitae), Labcorp).

NM_000257.4(MYH7):c.2872G>A (p.Glu958Lys)

Gene: MYH7 (myosin heavy chain 7; minus strand). Cytogenetic location: 14q11.2.
Variant type: single nucleotide variant.
Coding change: c.2872G>A on transcript NM_000257.4 (MANE Select); coding-DNA position 2872, G replaced by A.
Protein change: p.Glu958Lys; replaces glutamic acid 958 with lysine.
Molecular consequence: missense variant.
Genome position (GRCh38, 1-based): chr14:23,423,957, C>T on the plus strand (G>A on the coding strand, the complement: MYH7 is on the minus strand). VCF-style: chr14-23423957-C-T. GRCh37 (hg19) VCF-style: chr14-23893166-C-T.
Other names: short protein forms E958K.
Identifiers: ClinVar variation 1329407 (VCV001329407.7), dbSNP rs2138663362, ClinGen allele CA389046750.
Genomic context (GRCh38, chr14:23,423,957, plus strand): 5'-CTGCCCTTACCTTGTTCTCTGTTGCGTGTTTCTCCTTCTCCACTTTGGCCAGTGTCAGCT[C>T]CAGATCATCGATGTCCCTTTTGAGCTCTGAGCACTCATCTTCCAGCTTGCGCTTCTTGGC-3'
Protein context (NP_000248.2, residues 948-968): SELKRDIDDL[Glu958Lys]LTLAKVEKEK